The following is an entry in ClinVar:

ClinVar aggregate classification (germline): Uncertain significance (1 of 4 stars; one submission).

Conditions:
Familial cancer of breast. Also called: hereditary breast carcinoma; BREAST CANCER, FAMILIAL; Hereditary breast cancer. Identifiers: Orphanet 227535, MedGen C0346153, MONDO:0016419, OMIM 114480. Disease mechanism: loss of function.

Submission:

Labcorp Genetics (formerly Invitae), Labcorp
Classification: Uncertain significance for Familial cancer of breast. Last evaluated: 2024-04-02. Review status: criteria provided, single submitter. Criteria: Invitae Variant Classification Sherloc (09022015). Collection method: clinical testing. Allele origin: germline.
Comment: This variant occurs in a non-coding region of the CHEK2 gene. It does not change the encoded amino acid sequence of the CHEK2 protein. This variant is not present in population databases (gnomAD no frequency). This variant has not been reported in the literature in individuals affected with CHEK2-related conditions. Experimental studies and prediction algorithms are not available or were not evaluated, and the functional significance of this variant is currently unknown. In summary, the available evidence is currently insufficient to determine the role of this variant in disease. Therefore, it has been classified as a Variant of Uncertain Significance.

NM_007194.4(CHEK2):c.-6-25_4dup

Gene: CHEK2 (checkpoint kinase 2; minus strand). Cytogenetic location: 22q12.1.
Variant type: Duplication.
Coding change: c.-6-25_4dup on transcript NM_007194.4 (MANE Select); 25 bases into the intron before 6 bases upstream of the start codon through coding-DNA position 4, 35 bases duplicated.
Molecular consequence: splice acceptor variant, initiator codon variant. On other transcripts: intron variant (1).
Genome position (GRCh38, 1-based): chr22:28,734,718-28,734,752, 35 bases duplicated; duplicating any 35 consecutive bases within chr22:28,734,718-28,734,753 gives the same sequence; the c. name uses the placement nearest the transcript's 3' end. GRCh37 (hg19): chr22:29,130,707-29,130,741.
Other names: c.-345+7017_-345+7051dup (NM_001437942.1); c.-6-25_4dup (NM_001349956.3, NM_145862.3, NM_001438295.1 and 3 more transcripts); c.-783-25_-774dup (NM_001257387.3).
Identifiers: ClinVar variation 3648397 (VCV003648397.2).